The following is an entry in ClinVar:

NM_001042492.3(NF1):c.7073A>G (p.Glu2358Gly)

Gene: NF1 (neurofibromin 1; plus strand). Cytogenetic location: 17q11.2.
Variant type: single nucleotide variant.
Coding change: c.7073A>G on transcript NM_001042492.3 (MANE Select); coding-DNA position 7073, A replaced by G.
Protein change: p.Glu2358Gly; replaces glutamic acid 2358 with glycine.
Molecular consequence: missense variant.
Genome position (GRCh38, 1-based): chr17:31,343,019, A>G. VCF-style: chr17-31343019-A-G. GRCh37 (hg19) VCF-style: chr17-29670037-A-G.
Other names: c.7010A>G, p.Glu2337Gly (NM_000267.4); short protein forms E2337G, E2358G.
Identifiers: ClinVar variation 1996403 (VCV001996403.5), dbSNP rs2508779437, ClinGen allele CA399015523.
Genomic context (GRCh38, chr17:31,343,019, plus strand): 5'-GAAAGCTACTGTGTGAACCTCATCAACCATCTCATGATTATCTTTAATAGAGTCCAGAGG[A>G]AGTATTTATGGCAATCCGGAATCCTCTGGAGTGGCACTGCAAGCAAATGGATCATTTTGT-3'
Protein context (NP_001035957.1, residues 2348-2368): LRIFNDKSPE[Glu2358Gly]VFMAIRNPLE

ClinVar aggregate classification (germline): Uncertain significance. Review status: criteria provided, multiple submitters, no conflicts (2 of 4 stars). 2 submissions from 2 submitters: Uncertain significance (2). Last evaluated 2026-06-24.

Conditions:
Neurofibromatosis, type 1 (NF1). Also called: NEUROFIBROMATOSIS, TYPE I, SOMATIC; VON RECKLINGHAUSEN DISEASE; Peripheral type neurofibromatosis; Neurofibromatosis, type I. Identifiers: Orphanet 636, MedGen C0027831, MONDO:0018975, OMIM 162200. Disease mechanism: loss of function.
Hereditary cancer-predisposing syndrome. Also called: Hereditary neoplastic syndrome; Neoplastic Syndromes, Hereditary; Tumor predisposition; Hereditary Cancer Syndrome. Identifiers: Orphanet 140162, MedGen C0027672, MeSH D009386, MONDO:0015356.
Cardiovascular phenotype. Identifiers: MedGen CN230736.

Submissions (2):

Ambry Genetics
Classification: Uncertain significance for Cardiovascular phenotype; Hereditary cancer-predisposing syndrome. Last evaluated: 2026-06-24. Review status: criteria provided, single submitter. Criteria: Ambry Variant Classification Scheme 2023. Collection method: clinical testing. Allele origin: germline.
Comment: The p.E2337G variant (also known as c.7010A>G), located in coding exon 47 of the NF1 gene, results from an A to G substitution at nucleotide position 7010. The glutamic acid at codon 2337 is replaced by glycine, an amino acid with similar properties. This amino acid position is conserved. In addition, the in silico prediction for this alteration is inconclusive. Based on the available evidence, the clinical significance of this variant remains unclear.

Labcorp Genetics (formerly Invitae), Labcorp
Classification: Uncertain significance for Neurofibromatosis, type 1. Last evaluated: 2025-06-25. Review status: criteria provided, single submitter. Criteria: Invitae Variant Classification Sherloc (09022015). Collection method: clinical testing. Allele origin: germline.
Comment: This sequence change replaces glutamic acid, which is acidic and polar, with glycine, which is neutral and non-polar, at codon 2337 of the NF1 protein (p.Glu2337Gly). This variant is not present in population databases (gnomAD no frequency). This variant has not been reported in the literature in individuals affected with NF1-related conditions. ClinVar contains an entry for this variant (Variation ID: 1996403). Invitae Evidence Modeling of protein sequence and biophysical properties (such as structural, functional, and spatial information, amino acid conservation, physicochemical variation, residue mobility, and thermodynamic stability) has been performed for this missense variant. However, the output from this modeling did not meet the statistical confidence thresholds required to predict the impact of this variant on NF1 protein function. In summary, the available evidence is currently insufficient to determine the role of this variant in disease. Therefore, it has been classified as a Variant of Uncertain Significance.